The following is an entry in ClinVar:

ClinVar aggregate classification (germline): Uncertain significance (1 of 4 stars; one submission).

Conditions:
Developmental and epileptic encephalopathy, 33 (DEE33). Also called: Epileptic encephalopathy, early infantile, 33. Identifiers: Orphanet 442835, MedGen C4225337, MONDO:0014625, OMIM 616409.

Allele frequency attached by ClinVar (database versions not stated): gnomAD exomes below 0.00001; TOPMed below 0.00001; gnomAD 0.00001.
gnomAD v4.1: 2 of 1,546,984 alleles (0.00013%); highest among the groups gnomAD compares: Admixed American, 0.002%; no homozygotes.

Submission:

Labcorp Genetics (formerly Invitae), Labcorp
Classification: Uncertain significance for Developmental and epileptic encephalopathy, 33. Last evaluated: 2022-10-14. Review status: criteria provided, single submitter. Criteria: Invitae Variant Classification Sherloc (09022015). Collection method: clinical testing. Allele origin: germline.
Comment: This sequence change falls in intron 5 of the EEF1A2 gene. It does not directly change the encoded amino acid sequence of the EEF1A2 protein. It affects a nucleotide within the consensus splice site. In summary, the available evidence is currently insufficient to determine the role of this variant in disease. Therefore, it has been classified as a Variant of Uncertain Significance. Variants that disrupt the consensus splice site are a relatively common cause of aberrant splicing (PMID: 17576681, 9536098). Algorithms developed to predict the effect of sequence changes on RNA splicing suggest that this variant may disrupt the consensus splice site. This variant has not been reported in the literature in individuals affected with EEF1A2-related conditions. This variant is not present in population databases (gnomAD no frequency).

Literature cited by the submitters: PubMed 17576681; PubMed 9536098.

NM_001958.5(EEF1A2):c.772+5G>A

Gene: EEF1A2 (eukaryotic translation elongation factor 1 alpha 2; minus strand). Cytogenetic location: 20q13.33.
Variant type: single nucleotide variant.
Coding change: c.772+5G>A on transcript NM_001958.5 (MANE Select); 5 bases into the intron after coding-DNA position 772, G replaced by A.
Molecular consequence: intron variant.
Genome position (GRCh38, 1-based): chr20:63,493,132, C>T on the plus strand (G>A on the coding strand, the complement: EEF1A2 is on the minus strand). VCF-style: chr20-63493132-C-T. GRCh37 (hg19) VCF-style: chr20-62124485-C-T.
Identifiers: ClinVar variation 1904737 (VCV001904737.5), dbSNP rs2082398700, ClinGen allele CA1019315275.